The following is an entry in ClinVar:

NM_001482.3(GATM):c.85A>G (p.Thr29Ala)

Gene: GATM (glycine amidinotransferase; minus strand). Cytogenetic location: 15q21.1.
Variant type: single nucleotide variant.
Coding change: c.85A>G on transcript NM_001482.3 (MANE Select); coding-DNA position 85, A replaced by G.
Protein change: p.Thr29Ala; replaces threonine 29 with alanine.
Molecular consequence: missense variant. On other transcripts: 5 prime UTR variant (1).
Genome position (GRCh38, 1-based): chr15:45,376,804, T>C on the plus strand (A>G on the coding strand, the complement: GATM is on the minus strand). VCF-style: chr15-45376804-T-C. GRCh37 (hg19) VCF-style: chr15-45669002-T-C.
Other names: c.-303A>G (NM_001321015.2); short protein forms T29A.
Identifiers: ClinVar variation 1495632 (VCV001495632.8), dbSNP rs763273843, ClinGen allele CA7542998.
Genomic context (GRCh38, chr15:45,376,804, plus strand): 5'-AGTTCCGGGAGGAAGCCGTAGCTGCCTGGGTGCTCTGGAAAGTTCGCTGCACCCATCCTG[T>C]CAAGGTTCGTCCAAGCTTCCAAGAACAAAGAAAAGATTATTGTATTGCATTGCTCTATCA-3'
Protein context (NP_001473.1, residues 19-39): YIGSRLGRTL[Thr29Ala]GWVQRTFQST

ClinVar aggregate classification (germline): Uncertain significance (1 of 4 stars; one submission).

Conditions:
Arginine:glycine amidinotransferase deficiency (CCDS3). Also called: L-Arginine:Glycine Amidinotransferase (AGAT) Deficiency; Creatine deficiency syndrome due to AGAT deficiency; GATM deficiency; Cerebral creatine deficiency syndrome 3; AGAT deficiency; L-Arginine:Glycine Amidinotransferase Deficiency. Identifiers: Orphanet 35704, MedGen C2675179, MONDO:0012996, OMIM 612718.

Allele frequency attached by ClinVar (database versions not stated): gnomAD exomes below 0.00001; ExAC 0.00001.

Submission:

Labcorp Genetics (formerly Invitae), Labcorp
Classification: Uncertain significance for Arginine:glycine amidinotransferase deficiency. Last evaluated: 2025-03-10. Review status: criteria provided, single submitter. Criteria: Invitae Variant Classification Sherloc (09022015). Collection method: clinical testing. Allele origin: germline.
Comment: This sequence change replaces threonine, which is neutral and polar, with alanine, which is neutral and non-polar, at codon 29 of the GATM protein (p.Thr29Ala). This variant is present in population databases (rs763273843, gnomAD 0.0009%). This variant has not been reported in the literature in individuals affected with GATM-related conditions. ClinVar contains an entry for this variant (Variation ID: 1495632). Invitae Evidence Modeling of protein sequence and biophysical properties (such as structural, functional, and spatial information, amino acid conservation, physicochemical variation, residue mobility, and thermodynamic stability) indicates that this missense variant is not expected to disrupt GATM protein function with a negative predictive value of 95%. In summary, the available evidence is currently insufficient to determine the role of this variant in disease. Therefore, it has been classified as a Variant of Uncertain Significance.